The following is an entry in ClinVar:

NM_002292.4(LAMB2):c.2284T>C (p.Ser762Pro)

Gene: LAMB2 (laminin subunit beta 2; minus strand). Cytogenetic location: 3p21.31.
Variant type: single nucleotide variant.
Coding change: c.2284T>C on transcript NM_002292.4 (MANE Select); coding-DNA position 2284, T replaced by C.
Protein change: p.Ser762Pro; replaces serine 762 with proline.
Molecular consequence: missense variant.
Genome position (GRCh38, 1-based): chr3:49,126,027, A>G on the plus strand (T>C on the coding strand, the complement: LAMB2 is on the minus strand). VCF-style: chr3-49126027-A-G. GRCh37 (hg19) VCF-style: chr3-49163460-A-G.
Other names: short protein forms S762P.
Identifiers: ClinVar variation 1016673 (VCV001016673.5), dbSNP rs752188860, ClinGen allele CA2394345.

ClinVar aggregate classification (germline): Uncertain significance (1 of 4 stars; one submission).

Conditions:
Pierson syndrome. Also called: MICROCORIA-CONGENITAL NEPHROTIC SYNDROME. Identifiers: Orphanet 2670, MedGen C1836876, MONDO:0012184, OMIM 609049.
LAMB2-related infantile-onset nephrotic syndrome. Also called: Nephrotic Syndrome, type 5; NEPHROTIC SYNDROME, TYPE 5, WITHOUT OCULAR ABNORMALITIES; NEPHROTIC SYNDROME, TYPE 5, WITH OCULAR ABNORMALITIES. Identifiers: Orphanet 306507, MedGen C3280113, MONDO:0013621, OMIM 614199.

Allele frequency attached by ClinVar (database versions not stated): gnomAD exomes below 0.00001 and 0.00001; ExAC 0.00001; gnomAD 0.00001.
gnomAD v4.1: 11 of 1,614,066 alleles (0.00068%); highest among the groups gnomAD compares: South Asian, 0.0022%; no homozygotes.

Submission:

Labcorp Genetics (formerly Invitae), Labcorp
Classification: Uncertain significance for LAMB2-related infantile-onset nephrotic syndrome; Pierson syndrome. Last evaluated: 2020-10-29. Review status: criteria provided, single submitter. Criteria: Invitae Variant Classification Sherloc (09022015). Collection method: clinical testing. Allele origin: germline.
Comment: In summary, the available evidence is currently insufficient to determine the role of this variant in disease. Therefore, it has been classified as a Variant of Uncertain Significance. Algorithms developed to predict the effect of missense changes on protein structure and function are either unavailable or do not agree on the potential impact of this missense change (SIFT: "Deleterious"; PolyPhen-2: "Benign"; Align-GVGD: "Class C0"). This variant has not been reported in the literature in individuals with LAMB2-related conditions. This variant is present in population databases (rs752188860, ExAC 0.002%). This sequence change replaces serine with proline at codon 762 of the LAMB2 protein (p.Ser762Pro). The serine residue is moderately conserved and there is a moderate physicochemical difference between serine and proline.